The following is an entry in ClinVar:

ClinVar aggregate classification (germline): Uncertain significance (1 of 4 stars; one submission).

Submission:

Labcorp Genetics (formerly Invitae), Labcorp
Classification: Uncertain significance. Last evaluated: 2020-07-30. Review status: criteria provided, single submitter. Criteria: Invitae Variant Classification Sherloc (09022015). Collection method: clinical testing. Allele origin: germline.
Comment: In summary, the available evidence is currently insufficient to determine the role of this variant in disease. Therefore, it has been classified as a Variant of Uncertain Significance. Algorithms developed to predict the effect of missense changes on protein structure and function are either unavailable or do not agree on the potential impact of this missense change (SIFT: "Deleterious"; PolyPhen-2: "Possibly Damaging"; Align-GVGD: "Class C0"). This variant has not been reported in the literature in individuals with VCAN-related conditions. This variant is not present in population databases (ExAC no frequency). This sequence change replaces tyrosine with histidine at codon 3358 of the VCAN protein (p.Tyr3358His). The tyrosine residue is highly conserved and there is a moderate physicochemical difference between tyrosine and histidine.

NM_004385.5(VCAN):c.10072T>C (p.Tyr3358His)

Gene: VCAN (versican; plus strand). Cytogenetic location: 5q14.3.
Variant type: single nucleotide variant.
Coding change: c.10072T>C on transcript NM_004385.5 (MANE Select); coding-DNA position 10072, T replaced by C.
Protein change: p.Tyr3358His; replaces tyrosine 3358 with histidine.
Molecular consequence: missense variant.
Genome position (GRCh38, 1-based): chr5:83,580,315, T>C. VCF-style: chr5-83580315-T-C. GRCh37 (hg19) VCF-style: chr5-82876134-T-C.
Other names: c.1849T>C, p.Tyr617His (NM_001126336.3); c.7111T>C, p.Tyr2371His (NM_001164097.2); c.4810T>C, p.Tyr1604His (NM_001164098.2); short protein forms Y1604H, Y2371H, Y3358H, Y617H.
Identifiers: ClinVar variation 1020989 (VCV001020989.8), dbSNP rs1748623220, ClinGen allele CA360301669.
Genomic context (GRCh38, chr5:83,580,315, plus strand): 5'-GGAGCAAGTAATATTGTGTGTTTTCTTTTTTTCTTTCTTTCCTTCCATGTAGCATCTGCA[T>C]ACCAAAGGACTTATTCTATGAAATACTTTAAAAATTCCTCATCAGCAAAGGACAATTCAA-3'
Protein context (NP_004376.2, residues 3348-3368): PKITCMNPSA[Tyr3358His]QRTYSMKYFK